The following is an entry in ClinVar:

ClinVar aggregate classification (germline): Benign (0 of 4 stars; one submission).

Conditions:
VPS11-related disorder. Also called: VPS11-related condition.

Allele frequency attached by ClinVar (database versions not stated): gnomAD 0.00178; TOPMed 0.00196; 1000 Genomes Project 30x 0.00234.

Submission:

PreventionGenetics, part of Exact Sciences
Classification: Benign for VPS11-related condition. Last evaluated: 2019-09-26. Review status: no assertion criteria provided. Collection method: clinical testing. Allele origin: germline.
Comment: This variant is classified as benign based on ACMG/AMP sequence variant interpretation guidelines (Richards et al. 2015 PMID: 25741868, with internal and published modifications).

NM_021729.6(VPS11):c.187+92G>C

Gene: VPS11 (VPS11 core subunit of CORVET and HOPS complexes; plus strand). Cytogenetic location: 11q23.3.
Variant type: single nucleotide variant.
Coding change: c.187+92G>C on transcript NM_021729.6 (MANE Select); 92 bases into the intron after coding-DNA position 187, G replaced by C.
Molecular consequence: intron variant. On other transcripts: missense variant (2).
Genome position (GRCh38, 1-based): chr11:119,068,102, G>C. VCF-style: chr11-119068102-G-C. GRCh37 (hg19) VCF-style: chr11-118938813-G-C.
Other names: c.34G>C, p.Ala12Pro (NM_001290185.2, NM_001378221.1); c.187+92G>C (NM_001378218.1, NM_001378219.1, NM_001378220.1); short protein forms A12P.
Identifiers: ClinVar variation 3040830 (VCV003040830.2), dbSNP rs150766222, ClinGen allele CA229658634.